The following is an entry in ClinVar:

NM_145207.3(AFG2A):c.422C>G (p.Ala141Gly)

Gene: AFG2A (AAA ATPase AFG2A; plus strand). Cytogenetic location: 4q28.1.
Variant type: single nucleotide variant.
Coding change: c.422C>G on transcript NM_145207.3 (MANE Select); coding-DNA position 422, C replaced by G.
Protein change: p.Ala141Gly; replaces alanine 141 with glycine.
Molecular consequence: missense variant.
Genome position (GRCh38, 1-based): chr4:122,929,173, C>G. VCF-style: chr4-122929173-C-G. GRCh37 (hg19) VCF-style: chr4-123850328-C-G.
Other names: c.419C>G, p.Ala140Gly (NM_001317799.2, NM_001345856.2, NM_001437913.1); c.422C>G, p.Ala141Gly (NM_001438322.1); short protein forms A140G, A141G.
Identifiers: ClinVar variation 4531925 (VCV004531925.2).

ClinVar aggregate classification (germline): Uncertain significance. Review status: criteria provided, multiple submitters, no conflicts (2 of 4 stars). 2 submissions from 2 submitters: Uncertain significance (2). Last evaluated 2024-11-24.

Conditions:
Microcephaly-intellectual disability-sensorineural hearing loss-epilepsy-abnormal muscle tone syndrome (NEDHSB). Also called: NEURODEVELOPMENTAL DISORDER WITH HEARING LOSS, SEIZURES, AND BRAIN ABNORMALITIES. Identifiers: Orphanet 457351, MedGen C4225276, MONDO:0014698, OMIM 616577.

Submissions (2):

Victorian Clinical Genetics Services, Murdoch Childrens Research Institute
Classification: Uncertain significance for Microcephaly-intellectual disability-sensorineural hearing loss-epilepsy-abnormal muscle tone syndrome. Last evaluated: 2024-11-24. Review status: criteria provided, single submitter. Criteria: ACMG Guidelines, 2015. Collection method: clinical testing. Allele origin: germline. Affected: yes.
Comment: This variant is classified as VUS-3B. Evidence in support of pathogenic classification: Variant is absent from gnomAD (v2, v3 and v4); Missense variant consistently predicted to be damaging by in silico tool or highly conserved with a major amino acid change. Additional information: Variant is predicted to result in a missense amino acid change from alanine to glycine; This variant is homozygous; This gene is associated with autosomal recessive disease; This variant has no previous evidence of pathogenicity; No published segregation evidence has been identified for this variant; No published functional evidence has been identified for this variant; No comparable missense variants have previous evidence for pathogenicity; Variant is not located in an established domain, motif, hotspot or informative constraint region; Loss of function is a known mechanism of disease in this gene and is associated with neurodevelopmental disorder with hearing loss, seizures, and brain abnormalities (MIM#616577) - This variant has been shown to be both maternally and paternally inherited (biallelic) (by trio analysis).

Blueprint Genetics
Classification: Uncertain significance. Last evaluated: 2024-02-06. Review status: criteria provided, single submitter. Criteria: ACMG Guidelines, 2015. Collection method: clinical testing. Allele origin: germline.